The following is an entry in ClinVar:

ClinVar aggregate classification (germline): Uncertain significance (0 of 4 stars; one submission).

Allele frequency attached by ClinVar (database versions not stated): gnomAD 0.00001; TOPMed 0.00001; ExAC 0.00002; gnomAD exomes 0.00002.
gnomAD v4.1: 19 of 1,613,700 alleles (0.0012%); highest among the groups gnomAD compares: South Asian, 0.0022%; no homozygotes.

Submission:

Department of Pathology and Laboratory Medicine, Sinai Health System
Classification: Uncertain significance. Review status: no assertion criteria provided. Collection method: clinical testing. Allele origin: unknown. Affected: yes. Study: The Canadian Open Genetics Repository (COGR).
Comment: The MYH8 p.Arg822His variant was not identified in the literature nor was it identified in ClinVar or LOVD 3.0. The variant was identified in dbSNP (ID: rs776002223) and in control databases in 4 of 251282 chromosomes at a frequency of 0.00001592 (Genome Aggregation Database March 6, 2019, v2.1.1). The variant was observed in the following populations: South Asian in 2 of 30610 chromosomes (freq: 0.000065) and European (non-Finnish) in 2 of 113578 chromosomes (freq: 0.000018), but was not observed in the African, Latino, Ashkenazi Jewish, East Asian, European (Finnish) or Other populations. The p.Arg822 residue is conserved in mammals and computational analyses (PolyPhen-2, SIFT, AlignGVGD, BLOSUM, MutationTaster) provide inconsistent predictions regarding the impact to the protein; this information is not very predictive of pathogenicity. The variant occurs outside of the splicing consensus sequence and in silico or computational prediction software programs (SpliceSiteFinder, MaxEntScan, NNSPLICE, GeneSplicer) do not predict a difference in splicing. In summary, based on the above information the clinical significance of this variant cannot be determined with certainty at this time. This variant is classified as a variant of uncertain significance.

NM_002472.3(MYH8):c.2465G>A (p.Arg822His)

Genes: MYH8 (myosin heavy chain 8; minus strand), MYHAS (myosin heavy chain gene cluster antisense RNA; plus strand). Cytogenetic location: 17p13.1.
Variant type: single nucleotide variant.
Coding change: c.2465G>A on transcript NM_002472.3 (MANE Select); coding-DNA position 2465, G replaced by A.
Protein change: p.Arg822His; replaces arginine 822 with histidine.
Molecular consequence: missense variant.
Genome position (GRCh38, 1-based): chr17:10,404,553, C>T on the plus strand (G>A on the coding strand, the complement: MYH8 is on the minus strand). VCF-style: chr17-10404553-C-T. GRCh37 (hg19) VCF-style: chr17-10307870-C-T.
Other names: short protein forms R822H.
Identifiers: ClinVar variation 1049068 (VCV001049068.1), dbSNP rs776002223, ClinGen allele CA8387759.